The following is an entry in ClinVar:

ClinVar aggregate classification (germline): Pathogenic (1 of 4 stars; one submission).

Submission:

Labcorp Genetics (formerly Invitae), Labcorp
Classification: Pathogenic. Last evaluated: 2023-04-09. Review status: criteria provided, single submitter. Criteria: Invitae Variant Classification Sherloc (09022015). Collection method: clinical testing. Allele origin: germline.
Comment: For these reasons, this variant has been classified as Pathogenic. This variant has not been reported in the literature in individuals affected with PCNT-related conditions. This variant is not present in population databases (gnomAD no frequency). This sequence change creates a premature translational stop signal (p.Glu1426Glyfs*15) in the PCNT gene. It is expected to result in an absent or disrupted protein product. Loss-of-function variants in PCNT are known to be pathogenic (PMID: 18174396, 22821869).

Literature cited by the submitters: PubMed 18174396; PubMed 22821869.

NM_006031.6(PCNT):c.4277_4281del (p.Glu1426fs)

Gene: PCNT (pericentrin; plus strand). Cytogenetic location: 21q22.3.
Variant type: Deletion.
Coding change: c.4277_4281del on transcript NM_006031.6 (MANE Select); coding-DNA positions 4277 to 4281, 5 bases deleted (AGAAG; older notation c.4277_4281delAGAAG).
Protein change: p.Glu1426fs; shifts the reading frame from glutamic acid 1426.
Molecular consequence: frameshift variant.
Genome position (GRCh38, 1-based): chr21:46,397,325-46,397,329, AGAAG deleted; deleting any 5 consecutive bases within chr21:46,397,324-46,397,329 gives the same sequence; the c. name uses the placement nearest the transcript's 3' end. VCF-style (leftmost placement, unchanged base first): chr21-46397323-TGAGAA-T. GRCh37 (hg19) VCF-style: chr21-47817237-TGAGAA-T.
Other names: c.3923_3927del, p.Glu1308fs (NM_001315529.2); short protein forms E1308fs, E1426fs.
Identifiers: ClinVar variation 2987291 (VCV002987291.3), dbSNP rs2086242608, ClinGen allele CA2392657438.